The following is an entry in ClinVar:

NM_000238.4(KCNH2):c.2159dup (p.Pro721_Glu722insTer)

Gene: KCNH2 (potassium voltage-gated channel subfamily H member 2; minus strand). Cytogenetic location: 7q36.1.
Variant type: Duplication.
Coding change: c.2159dup on transcript NM_000238.4 (MANE Select); coding-DNA position 2159, one base duplicated (T; older notation c.2159dupT).
Protein change: p.Pro721_Glu722insTer.
Molecular consequence: frameshift variant. On other transcripts: nonsense (5).
Genome position (GRCh38, 1-based): chr7:150,950,407, A duplicated on the plus strand (T on the coding strand, the reverse complement: KCNH2 is on the minus strand); the first of 2 consecutive A bases (chr7:150,950,407-150,950,408); duplicating either gives the same sequence. VCF-style (leftmost placement, unchanged base first): chr7-150950406-G-GA. GRCh37 (hg19) VCF-style: chr7-150647494-G-GA.
Other names: c.1139dup, p.Pro381_Glu382insTer (NM_001204798.2, NM_172057.3); c.1870dup, p.Glu626Terfs (NM_001406753.1, NM_001406756.1); c.1981dup, p.Glu663Terfs (NM_001406755.1); c.1858dup, p.Glu622Terfs (NM_001406757.1); c.2158dup, p.Glu722Terfs (NM_172056.3).
Identifiers: ClinVar variation 2071298 (VCV002071298.4), dbSNP rs2486027293, ClinGen allele CA2580077793.

ClinVar aggregate classification (germline): Pathogenic (1 of 4 stars; one submission).

Conditions:
Long QT syndrome (LQTS). Identifiers: MedGen C0023976, MeSH D008133, MONDO:0002442. Disease mechanism: loss of function. Inheritance: Various modes of inheritance.

Submission:

Labcorp Genetics (formerly Invitae), Labcorp
Classification: Pathogenic for Long QT syndrome. Last evaluated: 2022-01-03. Review status: criteria provided, single submitter. Criteria: Invitae Variant Classification Sherloc (09022015). Collection method: clinical testing. Allele origin: germline.
Comment: For these reasons, this variant has been classified as Pathogenic. This variant has not been reported in the literature in individuals affected with KCNH2-related conditions. This variant is not present in population databases (gnomAD no frequency). This sequence change creates a premature translational stop signal (p.Glu722*) in the KCNH2 gene. It is expected to result in an absent or disrupted protein product. Loss-of-function variants in KCNH2 are known to be pathogenic (PMID: 10973849, 19862833).

Literature cited by the submitters: PubMed 10973849; PubMed 19862833.